The following is an entry in ClinVar:

NM_001040142.2(SCN2A):c.751G>A (p.Val251Ile)

Gene: SCN2A (sodium voltage-gated channel alpha subunit 2; plus strand). Cytogenetic location: 2q24.3.
Variant type: single nucleotide variant.
Coding change: c.751G>A on transcript NM_001040142.2 (MANE Select); coding-DNA position 751, G replaced by A.
Protein change: p.Val251Ile; replaces valine 251 with isoleucine.
Molecular consequence: missense variant.
Genome position (GRCh38, 1-based): chr2:165,310,376, G>A. VCF-style: chr2-165310376-G-A. GRCh37 (hg19) VCF-style: chr2-166166886-G-A.
Other names: c.751G>A, p.Val251Ile (NM_001040143.2, NM_001371246.1, NM_001371247.1 and 1 more transcripts); short protein forms V251I.
Identifiers: ClinVar variation 375510 (VCV000375510.3), dbSNP rs1057519528, ClinGen allele CA16044306.

ClinVar aggregate classification (germline): Pathogenic/Likely pathogenic. Review status: criteria provided, multiple submitters, no conflicts (2 of 4 stars). 4 submissions from 4 submitters: Pathogenic (2); Likely pathogenic (2). Last evaluated 2023-10-23.

Conditions:
Developmental and epileptic encephalopathy, 11 (DEE11). Also called: Early infantile epileptic encephalopathy 11. Identifiers: Orphanet 1934, MedGen C3150987, MONDO:0013388, OMIM 613721.
Epileptic encephalopathy. Identifiers: MedGen C0543888, HP:0200134.

Submissions (4):

Institute of Medical Genetics and Genomics, Sir Ganga Ram Hospital
Classification: Likely pathogenic for Developmental and epileptic encephalopathy, 11. Last evaluated: 2023-10-23. Review status: criteria provided, single submitter. Criteria: ACMG Guidelines, 2015. Collection method: clinical testing. Allele origin: unknown. Inheritance: Autosomal recessive inheritance. Affected: yes. Observed: 1 compound heterozygote.
Comment: This nucleotide change is absent in gnomAD database [PM2]. Insilico prediction [REVEL=0.72] predicts deleterious nature of this variant [PP3]. A clinvar entry for this variant is available. This variant is submitted to clinvar database [Variation ID: 375510] with “Pathogenic/Likely Pathogenic” interpretation by multiple submitter [PP5]. A different amino acid change, Val251Ala is a known pathogenic variant [PMID:29215089] [PM5]. This is a Mis-sense variant in a gene with low rate of benign miss-ense mutations and for which mis-sense mutation is a common mechanism of a disease [PP2]. Based on the clinical correlation and available evidence, and in absence of parental segregation, this variant is classified as "Likely Pathogenic"

Cytogenetics and Genomics Lab, Cyprus Institute Of Neurology and Genetics
Classification: Pathogenic for Developmental and epileptic encephalopathy, 11. Last evaluated: 2023-07-17. Review status: criteria provided, single submitter. Criteria: ACGS Guidelines, 2020. Collection method: research. Allele origin: de novo. Affected: yes.
Comment: The variant is absent from gnomAD population databases and is located in a mutational hotspot. Alternative variants affecting the same amino at the specific position have previously been determined to be pathogenic while the prevalence of the variant in affected individuals is increased compared with the prevalence in controls. Computational tools also classify this change as moderate pathogenic.

Baylor Genetics
Classification: Pathogenic for Developmental and epileptic encephalopathy, 11. Last evaluated: 2020-04-09. Review status: criteria provided, single submitter. Criteria: ACMG Guidelines, 2015. Collection method: clinical testing. Allele origin: unknown. Affected: yes.
Comment: This variant was determined to be pathogenic according to ACMG Guidelines, 2015 [PMID:25741868].

Neurogenetics Laboratory - MEYER, AOU Meyer
Classification: Likely pathogenic for Epileptic encephalopathy. Last evaluated: 2016-11-16. Review status: criteria provided, single submitter. Criteria: ACMG Guidelines, 2015. Collection method: clinical testing. Allele origin: de novo. Affected: yes. Observed: 1 heterozygote.